The following is an entry in ClinVar:

NM_017446.4(MRPL39):c.822T>C (p.Ile274=)

Gene: MRPL39 (mitochondrial ribosomal protein L39; minus strand). Cytogenetic location: 21q21.3.
Variant type: single nucleotide variant.
Coding change: c.822T>C on transcript NM_017446.4 (MANE Select); coding-DNA position 822, T replaced by C.
Protein change: p.Ile274=; no amino-acid change (isoleucine 274 retained).
Molecular consequence: synonymous variant.
Genome position (GRCh38, 1-based): chr21:25,592,911, A>G on the plus strand (T>C on the coding strand, the complement: MRPL39 is on the minus strand). VCF-style: chr21-25592911-A-G. GRCh37 (hg19) VCF-style: chr21-26965223-A-G.
Other names: c.822T>C, p.Ile274= (NM_080794.4).
Identifiers: ClinVar variation 4821932 (VCV004821932.4).
Genomic context (GRCh38, chr21:25,592,911, plus strand): 5'-TATGAGACTTGGCTGGGTGGGTTGAAGATTGTGAACTGCTGATACTTCATACTGGAAACA[A>G]ATACTTGTTCTTGGAATAAGAGGGCCCTCACTCACATCAATGAAGTCACCTATTCTGATT-3'
Protein context (NP_059142.3, residues 264-284): SEGPLIPRTS[Ile274=]CFQYEVSAVH

ClinVar aggregate classification (germline): Likely benign (1 of 4 stars; one submission).

Submission:

CeGaT Center for Human Genetics Tuebingen
Classification: Likely benign. Last evaluated: 2026-03-01. Review status: criteria provided, single submitter. Criteria: CeGaT Center For Human Genetics Tuebingen Variant Classification Criteria Version 2. Collection method: clinical testing. Allele origin: germline. Affected: yes. Observed: 1 variant allele.
Comment: MRPL39: BP4